The following is an entry in ClinVar:

ClinVar aggregate classification (germline): Uncertain significance (1 of 4 stars; one submission).

Submission:

Ambry Genetics
Classification: Uncertain significance. Last evaluated: 2024-04-30. Review status: criteria provided, single submitter. Criteria: Ambry Variant Classification Scheme 2023. Collection method: clinical testing. Allele origin: germline.
Comment: The p.E404K variant (also known as c.1210G>A), located in coding exon 9 of the RINT1 gene, results from a G to A substitution at nucleotide position 1210. The glutamic acid at codon 404 is replaced by lysine, an amino acid with similar properties. This amino acid position is conserved. In addition, this alteration is predicted to be deleterious by in silico analysis. Based on the available evidence, the clinical significance of this variant remains unclear.

NM_021930.6(RINT1):c.1210G>A (p.Glu404Lys)

Gene: RINT1 (RAD50 interactor 1; plus strand). Cytogenetic location: 7q22.3.
Variant type: single nucleotide variant.
Coding change: c.1210G>A on transcript NM_021930.6 (MANE Select); coding-DNA position 1210, G replaced by A.
Protein change: p.Glu404Lys; replaces glutamic acid 404 with lysine.
Molecular consequence: missense variant. On other transcripts: non-coding transcript variant (1).
Genome position (GRCh38, 1-based): chr7:105,550,363, G>A. VCF-style: chr7-105550363-G-A. GRCh37 (hg19) VCF-style: chr7-105190810-G-A.
Other names: c.976G>A, p.Glu326Lys (NM_001346599.2); c.187G>A, p.Glu63Lys (NM_001346600.2, NM_001346603.2); c.286G>A, p.Glu96Lys (NM_001346601.2); short protein forms E63K, E96K, E326K, E404K.
Identifiers: ClinVar variation 3314463 (VCV003314463.1).